The following is an entry in ClinVar:

NM_006254.4(PRKCD):c.1957G>A (p.Asp653Asn)

Genes: PRKCD (protein kinase C delta; plus strand), LOC129936899 (ATAC-STARR-seq lymphoblastoid active region 19967; plus strand). Cytogenetic location: 3p21.1.
Variant type: single nucleotide variant.
Coding change: c.1957G>A on transcript NM_006254.4 (MANE Select); coding-DNA position 1957, G replaced by A.
Protein change: p.Asp653Asn; replaces aspartic acid 653 with asparagine.
Molecular consequence: missense variant.
Genome position (GRCh38, 1-based): chr3:53,192,192, G>A. VCF-style: chr3-53192192-G-A. GRCh37 (hg19) VCF-style: chr3-53226208-G-A.
Other names: c.1957G>A, p.Asp653Asn (NM_001316327.2, NM_001354679.2, NM_001354680.2 and 1 more transcripts); c.2014G>A, p.Asp672Asn (NM_001354676.2); c.2005G>A, p.Asp669Asn (NM_001354678.2); short protein forms D669N, D653N, D672N.
Identifiers: ClinVar variation 845746 (VCV000845746.4), dbSNP rs781914241, ClinGen allele CA2452332.

ClinVar aggregate classification (germline): Uncertain significance (1 of 4 stars; one submission).

Conditions:
Autoimmune lymphoproliferative syndrome, type III caused by mutation in PRKCD. Identifiers: Orphanet 3261, Orphanet 664711, MedGen C3809928, MONDO:8000024, OMIM 615559.

Allele frequency attached by ClinVar (database versions not stated): gnomAD exomes 0.00001; TOPMed 0.00001; ExAC 0.00002.
gnomAD v4.1: 17 of 1,614,044 alleles (0.0011%); highest among the groups gnomAD compares: Middle Eastern, 0.033%; no homozygotes.

Submission:

Labcorp Genetics (formerly Invitae), Labcorp
Classification: Uncertain significance for Autoimmune lymphoproliferative syndrome, type III caused by mutation in PRKCD. Last evaluated: 2021-08-31. Review status: criteria provided, single submitter. Criteria: Invitae Variant Classification Sherloc (09022015). Collection method: clinical testing. Allele origin: germline.
Comment: This sequence change replaces aspartic acid with asparagine at codon 653 of the PRKCD protein (p.Asp653Asn). The aspartic acid residue is highly conserved and there is a small physicochemical difference between aspartic acid and asparagine. This variant is present in population databases (rs781914241, ExAC 0.006%). This variant has not been reported in the literature in individuals affected with PRKCD-related conditions. Algorithms developed to predict the effect of missense changes on protein structure and function are either unavailable or do not agree on the potential impact of this missense change (SIFT: "Deleterious"; PolyPhen-2: "Possibly Damaging"; Align-GVGD: "Class C0"). In summary, the available evidence is currently insufficient to determine the role of this variant in disease. Therefore, it has been classified as a Variant of Uncertain Significance.